The following is an entry in ClinVar:

NM_002303.6(LEPR):c.2024G>C (p.Ser675Thr)

Genes: LEPR (leptin receptor; plus strand), LOC122094844 (Sharpr-MPRA regulatory region 5730; plus strand). Cytogenetic location: 1p31.3.
Variant type: single nucleotide variant.
Coding change: c.2024G>C on transcript NM_002303.6 (MANE Select); coding-DNA position 2024, G replaced by C.
Protein change: p.Ser675Thr; replaces serine 675 with threonine.
Molecular consequence: missense variant.
Genome position (GRCh38, 1-based): chr1:65,616,036, G>C. VCF-style: chr1-65616036-G-C. GRCh37 (hg19) VCF-style: chr1-66081719-G-C.
Other names: c.2024G>C, p.Ser675Thr (NM_001003679.3, NM_001003680.3, NM_001198687.2 and 2 more transcripts); short protein forms S675T.
Identifiers: ClinVar variation 3057526 (VCV003057526.3), dbSNP rs373154589, ClinGen allele CA23920633.

ClinVar aggregate classification (germline): Uncertain significance (1 of 4 stars; one submission).

Conditions:
LEPR-related disorder. Also called: LEPR-related condition; LEPR-related disorders.

Allele frequency attached by ClinVar (database versions not stated): gnomAD 0.00001; gnomAD exomes 0.00001; ESP Exome Variant Server 0.00008.
gnomAD v4.1: 20 of 1,614,024 alleles (0.0012%); highest among the groups gnomAD compares: Middle Eastern, 0.016%; no homozygotes.

Submission:

PreventionGenetics, part of Exact Sciences
Classification: Uncertain significance for LEPR-related condition. Last evaluated: 2024-11-01. Review status: criteria provided, single submitter. Criteria: ACMG Guidelines, 2015. Collection method: clinical testing. Allele origin: germline.
Comment: The LEPR c.2024G>C variant is predicted to result in the amino acid substitution p.Ser675Thr. This variant has been reported in one individual with extreme obesity (Roth et al. 1998. PubMed ID: 9860295). This variant was observed in a cohort of individuals with obesity, and in vitro functional studies showed function similar to that of wildtype levels (Supplemental Data Set, Shah et al. 2023. PubMed ID: 36864747). This variant is reported in 0.0018% of alleles in individuals of European (Non-Finnish) descent in gnomAD. At this time, the clinical significance of this variant is uncertain due to the absence of conclusive functional and genetic evidence.